The following is an entry in ClinVar:

ClinVar aggregate classification (germline): Uncertain significance (1 of 4 stars; one submission).

Conditions:
MHC class I deficiency. Identifiers: Orphanet 34592, MedGen C6024714, MONDO:0011476.

Allele frequency attached by ClinVar (database versions not stated): gnomAD exomes below 0.00001.

Submission:

Labcorp Genetics (formerly Invitae), Labcorp
Classification: Uncertain significance for MHC class I deficiency 1. Last evaluated: 2023-10-13. Review status: criteria provided, single submitter. Criteria: Invitae Variant Classification Sherloc (09022015). Collection method: clinical testing. Allele origin: germline.
Comment: This sequence change replaces leucine, which is neutral and non-polar, with valine, which is neutral and non-polar, at codon 294 of the TAP2 protein (p.Leu294Val). This variant is not present in population databases (gnomAD no frequency). This variant has not been reported in the literature in individuals affected with TAP2-related conditions. ClinVar contains an entry for this variant (Variation ID: 2016941). Experimental studies and prediction algorithms are not available or were not evaluated, and the functional significance of this variant is currently unknown. In summary, the available evidence is currently insufficient to determine the role of this variant in disease. Therefore, it has been classified as a Variant of Uncertain Significance.

NM_001290043.2(TAP2):c.880C>G (p.Leu294Val)

Gene: TAP2 (transporter 2, ATP binding cassette subfamily B member; minus strand). Cytogenetic location: 6p21.32.
Variant type: single nucleotide variant.
Coding change: c.880C>G on transcript NM_001290043.2 (MANE Select); coding-DNA position 880, C replaced by G.
Protein change: p.Leu294Val; replaces leucine 294 with valine.
Molecular consequence: missense variant.
Genome position (GRCh38, 1-based): chr6:32,835,219, G>C on the plus strand (C>G on the coding strand, the complement: TAP2 is on the minus strand). VCF-style: chr6-32835219-G-C. GRCh37 (hg19) VCF-style: chr6-32802996-G-C.
Other names: c.880C>G, p.Leu294Val (NM_000544.3, NM_018833.3); short protein forms L294V.
Identifiers: ClinVar variation 2016941 (VCV002016941.2), dbSNP rs2483042369, ClinGen allele CA363584211.
Genomic context (GRCh38, chr6:32,835,219, plus strand): 5'-GGCGGGTGTTGTACACCTTCTCCGCTGCTATTGTGAAGGGCATGTGCAGCAGAGAAAGGA[G>C]GGTGAGTCGAGGCGATATGCTGAGCATGAAGCCATACAGCCCCACCACTTTCACCAGGCT-3'
Protein context (NP_001276972.1, residues 284-304): FMLSISPRLT[Leu294Val]LSLLHMPFTI